The following is an entry in ClinVar:

NM_000179.3(MSH6):c.1498del (p.Ala500fs)

Gene: MSH6 (mutS homolog 6; plus strand). Cytogenetic location: 2p16.3.
Variant type: Deletion.
Coding change: c.1498del on transcript NM_000179.3 (MANE Select); coding-DNA position 1498, one base deleted (G; older notation c.1498delG).
Protein change: p.Ala500fs; shifts the reading frame from alanine 500.
Molecular consequence: frameshift variant.
Genome position (GRCh38, 1-based): chr2:47,799,481, G deleted; the last of 2 consecutive G bases (chr2:47,799,480-47,799,481); deleting either gives the same sequence. VCF-style (leftmost placement, unchanged base first): chr2-47799479-TG-T. GRCh37 (hg19) VCF-style: chr2-48026618-TG-T.
Other names: c.1108del, p.Ala370fs (NM_001281492.2); c.592del, p.Ala198fs (NM_001281493.2, NM_001281494.2); c.1594delG, p.Ala532Hisfs (NM_001406795.1, NM_001406802.1); c.1498delG, p.Ala500Hisfs (NM_001406796.1, NM_001406798.1, NM_001406800.1 and 4 more transcripts); c.1201delG, p.Ala401Hisfs (NM_001406797.1, NM_001406801.1, NM_001406805.1 and 10 more transcripts); c.973delG, p.Ala325Hisfs (NM_001406799.1, NM_001406806.1, NM_001406807.1); c.1420delG, p.Ala474Hisfs (NM_001406804.1); c.592delG, p.Ala198Hisfs (NM_001406811.1, NM_001406812.1, NM_001406814.1 and 4 more transcripts); and 2 more; short protein forms A198fs, A370fs, A500fs.
Identifiers: ClinVar variation 1773923 (VCV001773923.2), dbSNP rs2530613005, ClinGen allele CA2580067599.

ClinVar aggregate classification (germline): Pathogenic (1 of 4 stars; one submission).

Conditions:
Hereditary cancer-predisposing syndrome. Also called: Hereditary Cancer Syndrome; Hereditary neoplastic syndrome; Neoplastic Syndromes, Hereditary; Tumor predisposition. Identifiers: Orphanet 140162, MedGen C0027672, MeSH D009386, MONDO:0015356.

Submission:

Ambry Genetics
Classification: Pathogenic for Hereditary cancer-predisposing syndrome. Last evaluated: 2020-02-26. Review status: criteria provided, single submitter. Criteria: Ambry Variant Classification Scheme 2023. Collection method: clinical testing. Allele origin: germline.
Comment: The c.1498delG pathogenic mutation, located in coding exon 4 of the MSH6 gene, results from a deletion of one nucleotide at nucleotide position 1498, causing a translational frameshift with a predicted alternate stop codon (p.A500Hfs*10). This alteration is expected to result in loss of function by premature protein truncation or nonsense-mediated mRNA decay. As such, this alteration is interpreted as a disease-causing mutation.